The following is an entry in ClinVar:

ClinVar aggregate classification (germline): Benign. Review status: criteria provided, multiple submitters, no conflicts (2 of 4 stars). 2 submissions from 2 submitters: Benign (2). Last evaluated 2018-01-12.

Conditions:
Medulloblastoma (MDB). Also called: Medulloblastoma, somatic; MEDULLOBLASTOMA PREDISPOSITION SYNDROME. Identifiers: Orphanet 616, MedGen C0025149, MeSH D008527, MONDO:0007959, OMIM 155255, HP:0002885.

Allele frequency attached by ClinVar (database versions not stated): gnomAD 0.20858 and 0.21478; TOPMed 0.22128; gnomAD exomes 0.22495; 1000 Genomes Project 30x 0.30450; 1000 Genomes Project 0.30891.
gnomAD v4.1: 50,583 of 233,228 alleles (22%); highest among the groups gnomAD compares: East Asian, 55%; 6,833 homozygotes.

Submissions (2):

Illumina Laboratory Services, Illumina
Classification: Benign for Medulloblastoma. Last evaluated: 2018-01-12. Review status: criteria provided, single submitter. Criteria: ICSL Variant Classification Criteria 13 December 2019. Collection method: clinical testing. Allele origin: germline.
Comment: This variant was observed in the ICSL laboratory as part of a predisposition screen in an ostensibly healthy population. It had not been previously curated by ICSL or reported in the Human Gene Mutation Database (HGMD: prior to June 1st, 2018), and was therefore a candidate for classification through an automated scoring system. Utilizing variant allele frequency, disease prevalence and penetrance estimates, and inheritance mode, an automated score was calculated to assess if this variant is too frequent to cause the disease. Based on the score and internal cut-off values, a variant classified as benign is not then subjected to further curation. The score for this variant resulted in a classification of benign for this disease.

Breakthrough Genomics
Classification: Benign. Review status: criteria provided, single submitter. Criteria: ACMG Guidelines, 2015. Collection method: not provided. Allele origin: germline. Inheritance: Autosomal recessive inheritance. Affected: yes.

NM_016169.4(SUFU):c.*2585T>C

Gene: SUFU (SUFU negative regulator of hedgehog signaling; plus strand). Cytogenetic location: 10q24.32.
Variant type: single nucleotide variant.
Coding change: c.*2585T>C on transcript NM_016169.4 (MANE Select); 2585 bases downstream of the stop codon, T replaced by C.
Molecular consequence: 3 prime UTR variant.
Genome position (GRCh38, 1-based): chr10:102,632,740, T>C. VCF-style: chr10-102632740-T-C. GRCh37 (hg19) VCF-style: chr10-104392497-T-C.
Identifiers: ClinVar variation 298605 (VCV000298605.6), dbSNP rs11191355, ClinGen allele CA10627941.